The following is an entry in ClinVar:

ClinVar aggregate classification (germline): Uncertain significance (1 of 4 stars; one submission).

Submission:

GeneDx
Classification: Uncertain significance. Last evaluated: 2023-06-07. Review status: criteria provided, single submitter. Criteria: GeneDx Variant Classification Process June 2021. Collection method: clinical testing. Allele origin: germline. Affected: yes.
Comment: Nonsense variant predicted to result in protein truncation as the last 157 amino acids are lost in a gene for which loss-of-function is not an established mechanism of disease; Not observed at significant frequency in large population cohorts (gnomAD); Has not been previously published as pathogenic or benign to our knowledge; Variants in candidate genes are classified as variants of uncertain significance in accordance with ACMG guidelines (Richards et al., 2015)

NM_004780.3(TCEAL1):c.7A>T (p.Lys3Ter)

Genes: TCEAL1 (transcription elongation factor A like 1; plus strand), LOC130068513 (ATAC-STARR-seq lymphoblastoid active region 29823; plus strand). Cytogenetic location: Xq22.2.
Variant type: single nucleotide variant.
Coding change: c.7A>T on transcript NM_004780.3 (MANE Select); coding-DNA position 7, A replaced by T.
Protein change: p.Lys3Ter; replaces lysine 3 with a stop codon.
Molecular consequence: nonsense.
Genome position (GRCh38, 1-based): chrX:103,629,923, A>T. VCF-style: chrX-103629923-A-T. GRCh37 (hg19) VCF-style: chrX-102884851-A-T.
Other names: c.7A>T, p.Lys3Ter (NM_001006639.2, NM_001006640.2); short protein forms K3*.
Identifiers: ClinVar variation 3359642 (VCV003359642.1).